The following is an entry in ClinVar:

NM_001042492.3(NF1):c.1230G>A (p.Leu410=)

Gene: NF1 (neurofibromin 1; plus strand). Cytogenetic location: 17q11.2.
Variant type: single nucleotide variant.
Coding change: c.1230G>A on transcript NM_001042492.3 (MANE Select); coding-DNA position 1230, G replaced by A.
Protein change: p.Leu410=; no amino-acid change (leucine 410 retained).
Molecular consequence: synonymous variant.
Genome position (GRCh38, 1-based): chr17:31,201,455, G>A. VCF-style: chr17-31201455-G-A. GRCh37 (hg19) VCF-style: chr17-29528473-G-A.
Other names: c.1230G>A, p.Leu410= (NM_000267.4, NM_001128147.3).
Identifiers: ClinVar variation 1061676 (VCV001061676.24), dbSNP rs1168457824, ClinGen allele CA499220589.

ClinVar aggregate classification (germline): Likely benign. Review status: criteria provided, multiple submitters, no conflicts (2 of 4 stars). 3 submissions from 3 submitters: Likely benign (3). Last evaluated 2025-08-03.

Conditions:
Neurofibromatosis, type 1 (NF1). Also called: VON RECKLINGHAUSEN DISEASE; NEUROFIBROMATOSIS, TYPE I, SOMATIC; Peripheral type neurofibromatosis; Neurofibromatosis, type I. Identifiers: Orphanet 636, MedGen C0027831, MONDO:0018975, OMIM 162200. Disease mechanism: loss of function.
Hereditary cancer-predisposing syndrome. Also called: Neoplastic Syndromes, Hereditary; Tumor predisposition; Hereditary neoplastic syndrome; Hereditary Cancer Syndrome. Identifiers: Orphanet 140162, MedGen C0027672, MeSH D009386, MONDO:0015356.
Cardiovascular phenotype. Identifiers: MedGen CN230736.

Allele frequency attached by ClinVar (database versions not stated): gnomAD exomes below 0.00001.
gnomAD v4.1: 3 of 1,611,432 alleles (0.00019%); highest among the groups gnomAD compares: Non-Finnish European, 0.00017%; no homozygotes.

Submissions (3):

Labcorp Genetics (formerly Invitae), Labcorp
Classification: Likely benign for Neurofibromatosis, type 1. Last evaluated: 2025-08-03. Review status: criteria provided, single submitter. Criteria: Invitae Variant Classification Sherloc (09022015). Collection method: clinical testing. Allele origin: germline.

CeGaT Center for Human Genetics Tuebingen
Classification: Likely benign. Last evaluated: 2024-07-01. Review status: criteria provided, single submitter. Criteria: CeGaT Center For Human Genetics Tuebingen Variant Classification Criteria Version 2. Collection method: clinical testing. Allele origin: germline. Affected: yes. Observed: 1 variant allele.
Comment: NF1: PM2:Supporting, BP4, BP7

Ambry Genetics
Classification: Likely benign for Cardiovascular phenotype; Hereditary cancer-predisposing syndrome. Last evaluated: 2024-01-01. Review status: criteria provided, single submitter. Criteria: Ambry Variant Classification Scheme 2023. Collection method: clinical testing. Allele origin: germline.